The following is an entry in ClinVar:

ClinVar aggregate classification (germline): Uncertain significance (1 of 4 stars; one submission).

Conditions:
TPM2-related disorder. Also called: TPM2-related condition; TPM2-related disorders.

Submission:

3billion
Classification: Uncertain significance for TPM2-related disorder. Last evaluated: 2025-12-02. Review status: criteria provided, single submitter. Criteria: ACMG Guidelines, 2015. Collection method: clinical testing. Allele origin: germline. Affected: yes.
Comment: The variant is not observed in the gnomAD v4.1.0 dataset. Predicted Consequence/Location: Inframe deletion located in a nonrepeat region: predicted to change the length of the protein and disrupt normal protein function. Therefore, this variant is classified as VUS according to the recommendation of ACMG/AMP guideline.

NM_003289.4(TPM2):c.138_140del (p.Gln47del)

Gene: TPM2 (tropomyosin 2; minus strand). Cytogenetic location: 9p13.3.
Variant type: Deletion.
Coding change: c.138_140del on transcript NM_003289.4 (MANE Select); coding-DNA positions 138 to 140, 3 bases deleted (CCA; older notation c.138_140delCCA).
Protein change: p.Gln47del; deletes glutamine 47.
Molecular consequence: inframe deletion.
Genome position (GRCh38, 1-based): chr9:35,689,246-35,689,248, TGG deleted on the plus strand (CCA on the coding strand, the reverse complement: TPM2 is on the minus strand). VCF-style (leftmost placement, unchanged base first): chr9-35689245-CTGG-C. GRCh37 (hg19) VCF-style: chr9-35689242-CTGG-C.
Other names: c.138_140del, p.Gln47del (NM_001301226.2, NM_001301227.2, NM_213674.1); short protein forms Q47del.
Identifiers: ClinVar variation 4855394 (VCV004855394.1).
Genomic context (GRCh38, chr9:35,689,245, plus strand): 5'-GGCCTCCTTCACGGATTCAGAATACTTTTCCACCTCATCCTCTGTCCCCTTCAGCTTCTT[CTGG>C]AGGGCCTGCTGCTCCTCCTCCAGCTGGGACAGAGGGGACTTGGTCAGCCAGGCTGGGAGG-3'